The following is an entry in ClinVar:

ClinVar aggregate classification (germline): Conflicting classifications of pathogenicity. Review status: criteria provided, conflicting classifications (1 of 4 stars). 3 submissions from 3 submitters: Uncertain significance (2); Benign (1). Last evaluated 2025-09-09.

Conditions:
Hereditary cancer-predisposing syndrome. Also called: Hereditary neoplastic syndrome; Hereditary Cancer Syndrome; Neoplastic Syndromes, Hereditary; Tumor predisposition. Identifiers: Orphanet 140162, MedGen C0027672, MeSH D009386, MONDO:0015356.
Familial adenomatous polyposis 2. Also called: MYH-associated polyposis; COLORECTAL ADENOMATOUS POLYPOSIS, AUTOSOMAL RECESSIVE; ADENOMAS, MULTIPLE COLORECTAL, AUTOSOMAL RECESSIVE; MUTYH-related attenuated familial adenomatous polyposis; Adenomas, multiple colorectal; FAP type 2. Identifiers: Orphanet 220460, Orphanet 247798, MedGen C3272841, MONDO:0012041, OMIM 608456.

Allele frequency attached by ClinVar (database versions not stated): TOPMed 0.00001.

Submissions (3):

Ambry Genetics
Classification: Benign for Hereditary cancer-predisposing syndrome. Last evaluated: 2025-09-09. Review status: criteria provided, single submitter. Criteria: Ambry Variant Classification Scheme 2023. Collection method: clinical testing. Allele origin: germline.

Labcorp Genetics (formerly Invitae), Labcorp
Classification: Uncertain significance for Familial adenomatous polyposis 2. Last evaluated: 2025-02-26. Review status: criteria provided, single submitter. Criteria: Invitae Variant Classification Sherloc (09022015). Collection method: clinical testing. Allele origin: germline.
Comment: This sequence change replaces serine, which is neutral and polar, with arginine, which is basic and polar, at codon 322 of the MUTYH protein (p.Ser322Arg). This variant is not present in population databases (gnomAD no frequency). This variant has not been reported in the literature in individuals affected with MUTYH-related conditions. ClinVar contains an entry for this variant (Variation ID: 492064). An algorithm developed to predict the effect of missense changes on protein structure and function outputs the following: PolyPhen-2: "Benign". The arginine amino acid residue is found in multiple mammalian species, which suggests that this missense change does not adversely affect protein function. In summary, the available evidence is currently insufficient to determine the role of this variant in disease. Therefore, it has been classified as a Variant of Uncertain Significance.

Color Diagnostics, LLC DBA Color Health
Classification: Uncertain significance for Hereditary cancer-predisposing syndrome. Last evaluated: 2023-12-05. Review status: criteria provided, single submitter. Criteria: ACMG Guidelines, 2015. Collection method: clinical testing. Allele origin: germline.
Comment: This missense variant replaces serine with arginine at codon 322 of the MUTYH protein. Computational prediction suggests that this variant may not impact protein structure and function (internally defined REVEL score threshold <= 0.5, PMID: 27666373). To our knowledge, functional studies have not been reported for this variant. This variant has not been reported in individuals affected with MUTYH-related disorders in the literature. This variant has not been identified in the general population by the Genome Aggregation Database (gnomAD). The available evidence is insufficient to determine the role of this variant in disease conclusively. Therefore, this variant is classified as a Variant of Uncertain Significance.

NM_001048174.2(MUTYH):c.882C>A (p.Ser294Arg)

Gene: MUTYH (mutY DNA glycosylase; minus strand). Cytogenetic location: 1p34.1.
Variant type: single nucleotide variant.
Coding change: c.882C>A on transcript NM_001048174.2 (MANE Select); coding-DNA position 882, C replaced by A.
Protein change: p.Ser294Arg; replaces serine 294 with arginine.
Molecular consequence: missense variant. On other transcripts: non-coding transcript variant (2).
Genome position (GRCh38, 1-based): chr1:45,332,054, G>T on the plus strand (C>A on the coding strand, the complement: MUTYH is on the minus strand). VCF-style: chr1-45332054-G-T. GRCh37 (hg19) VCF-style: chr1-45797726-G-T.
Other names: c.882C>A, p.Ser294Arg (NM_001048171.2, NM_001048173.2, NM_001293195.2); c.885C>A, p.Ser295Arg (NM_001048172.2); c.966C>A, p.Ser322Arg (NM_001128425.2); c.927C>A, p.Ser309Arg (NM_001293190.2); c.915C>A, p.Ser305Arg (NM_001293191.2); c.606C>A, p.Ser202Arg (NM_001293192.2, NM_001293196.2); c.537C>A, p.Ser179Arg (NM_001350650.2, NM_001350651.2); c.957C>A, p.Ser319Arg (NM_012222.3); short protein forms S322R, S309R, S305R, S179R, S294R, S319R, S202R, S295R.
Identifiers: ClinVar variation 492064 (VCV000492064.17), dbSNP rs138833473, ClinGen allele CA340134120.